The following is an entry in ClinVar:

ClinVar aggregate classification (germline): Uncertain significance (1 of 4 stars; one submission).

Submission:

Labcorp Genetics (formerly Invitae), Labcorp
Classification: Uncertain significance. Last evaluated: 2022-08-03. Review status: criteria provided, single submitter. Criteria: Invitae Variant Classification Sherloc (09022015). Collection method: clinical testing. Allele origin: germline.
Comment: In summary, the available evidence is currently insufficient to determine the role of this variant in disease. Therefore, it has been classified as a Variant of Uncertain Significance. Algorithms developed to predict the effect of missense changes on protein structure and function (SIFT, PolyPhen-2, Align-GVGD) all suggest that this variant is likely to be tolerated. This variant has not been reported in the literature in individuals affected with CCBE1-related conditions. This variant is not present in population databases (gnomAD no frequency). This sequence change replaces arginine, which is basic and polar, with serine, which is neutral and polar, at codon 176 of the CCBE1 protein (p.Arg176Ser).

NM_133459.4(CCBE1):c.528G>C (p.Arg176Ser)

Gene: CCBE1 (collagen and calcium binding EGF domains 1; minus strand). Cytogenetic location: 18q21.32.
Variant type: single nucleotide variant.
Coding change: c.528G>C on transcript NM_133459.4 (MANE Select); coding-DNA position 528, G replaced by C.
Protein change: p.Arg176Ser; replaces arginine 176 with serine.
Molecular consequence: missense variant.
Genome position (GRCh38, 1-based): chr18:59,466,764, C>G on the plus strand (G>C on the coding strand, the complement: CCBE1 is on the minus strand). VCF-style: chr18-59466764-C-G. GRCh37 (hg19) VCF-style: chr18-57133996-C-G.
Other names: short protein forms R176S.
Identifiers: ClinVar variation 1980639 (VCV001980639.4), dbSNP rs2511577484, ClinGen allele CA402591512.
Genomic context (GRCh38, chr18:59,466,764, plus strand): 5'-GTAATTAGGGAGATATTTAGACTTGCCCTACTTACCAGTGTCATTGGGATATTTGTCTCC[C>G]CTGGTACATGTCTTCCCATCATCTTCCCGGATGTAGCCTTCCCGGCACTCGCAGCGGTAG-3'
Protein context (NP_597716.1, residues 166-186): IREDDGKTCT[Arg176Ser]GDKYPNDTGH